The following is an entry in ClinVar:

NM_001369.3(DNAH5):c.6494T>A (p.Leu2165Ter)

Gene: DNAH5 (dynein axonemal heavy chain 5; minus strand). Cytogenetic location: 5p15.2.
Variant type: single nucleotide variant.
Coding change: c.6494T>A on transcript NM_001369.3 (MANE Select); coding-DNA position 6494, T replaced by A.
Protein change: p.Leu2165Ter; replaces leucine 2165 with a stop codon.
Molecular consequence: nonsense.
Genome position (GRCh38, 1-based): chr5:13,824,284, A>T on the plus strand (T>A on the coding strand, the complement: DNAH5 is on the minus strand). VCF-style: chr5-13824284-A-T. GRCh37 (hg19) VCF-style: chr5-13824393-A-T.
Other names: short protein forms L2165*.
Identifiers: ClinVar variation 2022279 (VCV002022279.4), dbSNP rs1762613802, ClinGen allele CA359197760.

ClinVar aggregate classification (germline): Pathogenic (1 of 4 stars; one submission).

Conditions:
Primary ciliary dyskinesia. Also called: Ciliary dyskinesia. Identifiers: Orphanet 244, MedGen C0008780, MONDO:0016575, HP:0012265.

Submission:

Labcorp Genetics (formerly Invitae), Labcorp
Classification: Pathogenic for Primary ciliary dyskinesia. Last evaluated: 2022-08-06. Review status: criteria provided, single submitter. Criteria: Invitae Variant Classification Sherloc (09022015). Collection method: clinical testing. Allele origin: germline.
Comment: For these reasons, this variant has been classified as Pathogenic. This variant has not been reported in the literature in individuals affected with DNAH5-related conditions. This variant is not present in population databases (gnomAD no frequency). This sequence change creates a premature translational stop signal (p.Leu2165*) in the DNAH5 gene. It is expected to result in an absent or disrupted protein product. Loss-of-function variants in DNAH5 are known to be pathogenic (PMID: 11788826, 16627867).

Literature cited by the submitters: PubMed 11788826; PubMed 16627867.